The following is an entry in ClinVar:

NM_020436.5(SALL4):c.2400delinsTT (p.Ser800_Lys801insTer)

Gene: SALL4 (spalt like transcription factor 4; minus strand). Cytogenetic location: 20q13.2.
Variant type: Indel.
Coding change: c.2400delinsTT on transcript NM_020436.5 (MANE Select); coding-DNA position 2400, A replaced by TT.
Protein change: p.Ser800_Lys801insTer.
Molecular consequence: frameshift variant. On other transcripts: intron variant (1).
Genome position (GRCh38, 1-based): chr20:51,790,083, T replaced by AA on the plus strand (A replaced by TT on the coding strand, the reverse complement: SALL4 is on the minus strand). VCF-style: chr20-51790083-T-AA. GRCh37 (hg19) VCF-style: chr20-50406622-T-AA.
Other names: c.1151-942delinsTT (NM_001318031.2).
Identifiers: ClinVar variation 2633462 (VCV002633462.1), dbSNP rs2515714748, ClinGen allele CA2695201407.

ClinVar aggregate classification (germline): Likely pathogenic (1 of 4 stars; one submission).

Conditions:
SALL4-Related Disorders. Also called: SALL4-related condition; SALL4-related disorder. Identifiers: MedGen CN381056.

Submission:

PreventionGenetics, part of Exact Sciences
Classification: Likely pathogenic for SALL4-related condition. Last evaluated: 2023-03-14. Review status: criteria provided, single submitter. Criteria: ACMG Guidelines, 2015. Collection method: clinical testing. Allele origin: germline.
Comment: The SALL4 c.2400delinsTT variant is predicted to result in premature protein termination (p.Lys801*). To our knowledge, this variant has not been reported in the literature or in a large population database, indicating this variant is rare. Nonsense variants in SALL4 are expected to be pathogenic. This variant is interpreted as likely pathogenic.